The following is an entry in ClinVar:

ClinVar aggregate classification (germline): Uncertain significance (1 of 4 stars; one submission).

gnomAD v4.1: 1 of 1,613,654 alleles (0.000062%); highest among the groups gnomAD compares: South Asian, 0.0011%; no homozygotes.

Submission:

Labcorp Genetics (formerly Invitae), Labcorp
Classification: Uncertain significance. Last evaluated: 2023-10-07. Review status: criteria provided, single submitter. Criteria: Invitae Variant Classification Sherloc (09022015). Collection method: clinical testing. Allele origin: germline.
Comment: This sequence change falls in intron 19 of the HPS5 gene. It does not directly change the encoded amino acid sequence of the HPS5 protein. It affects a nucleotide within the consensus splice site. This variant is present in population databases (no rsID available, gnomAD 0.003%). This variant has not been reported in the literature in individuals affected with HPS5-related conditions. Variants that disrupt the consensus splice site are a relatively common cause of aberrant splicing (PMID: 17576681, 9536098). Algorithms developed to predict the effect of sequence changes on RNA splicing suggest that this variant is not likely to affect RNA splicing. In summary, the available evidence is currently insufficient to determine the role of this variant in disease. Therefore, it has been classified as a Variant of Uncertain Significance.

Literature cited by the submitters: PubMed 17576681; PubMed 9536098.

NM_181507.2(HPS5):c.2837+5A>C

Gene: HPS5 (HPS5 biogenesis of lysosomal organelles complex 2 subunit 2; minus strand). Cytogenetic location: 11p15.1.
Variant type: single nucleotide variant.
Coding change: c.2837+5A>C on transcript NM_181507.2 (MANE Select); 5 bases into the intron after coding-DNA position 2837, A replaced by C.
Molecular consequence: intron variant.
Genome position (GRCh38, 1-based): chr11:18,286,586, T>G on the plus strand (A>C on the coding strand, the complement: HPS5 is on the minus strand). VCF-style: chr11-18286586-T-G. GRCh37 (hg19) VCF-style: chr11-18308133-T-G.
Other names: c.1982+5A>C (NM_001440931.1); c.2681+5A>C (NM_001440917.1); c.2837+5A>C (NM_001440906.1, NM_001440905.1, NM_001440903.1 and 2 more transcripts); c.2495+5A>C (NM_001440926.1, NM_001440925.1, NM_001440920.1 and 6 more transcripts); c.2726+5A>C (NM_001440914.1, NM_001440913.1, NM_001440915.1); c.2762+5A>C (NM_001440907.1, NM_001440909.1, NM_001440908.1); c.2423+5A>C (NM_001440928.1, NM_001440927.1, NM_001440929.1); c.2375+949A>C (NM_001440930.1); and 3 more.
Identifiers: ClinVar variation 2759905 (VCV002759905.3), dbSNP rs756628694, ClinGen allele CA597491108.